The following is an entry in ClinVar:

NM_001267550.2(TTN):c.64733C>G (p.Ser21578Cys)

Genes: TTN (titin; minus strand), TTN-AS1 (TTN antisense RNA 1; plus strand). Cytogenetic location: 2q31.2.
Variant type: single nucleotide variant.
Coding change: c.64733C>G on transcript NM_001267550.2 (MANE Select); coding-DNA position 64733, C replaced by G.
Protein change: p.Ser21578Cys; replaces serine 21578 with cysteine.
Molecular consequence: missense variant. On other transcripts: non-coding transcript variant (1).
Genome position (GRCh38, 1-based): chr2:178,584,908, G>C on the plus strand (C>G on the coding strand, the complement: TTN is on the minus strand). VCF-style: chr2-178584908-G-C. GRCh37 (hg19) VCF-style: chr2-179449635-G-C.
Other names: c.59810C>G, p.Ser19937Cys (NM_001256850.1); c.37538C>G, p.Ser12513Cys (NM_003319.4); c.57029C>G, p.Ser19010Cys (NM_133378.4); c.37913C>G, p.Ser12638Cys (NM_133432.3); c.38114C>G, p.Ser12705Cys (NM_133437.4); short protein forms S12513C, S12638C, S12705C, S19010C, S19937C, S21578C.
Identifiers: ClinVar variation 2438224 (VCV002438224.4), dbSNP rs758914564, ClinGen allele CA349437104.

ClinVar aggregate classification (germline): Uncertain significance. Review status: criteria provided, multiple submitters, no conflicts (2 of 4 stars). 2 submissions from 2 submitters: Uncertain significance (2). Last evaluated 2023-08-15.

Allele frequency attached by ClinVar (database versions not stated): gnomAD exomes below 0.00001.
gnomAD v4.1: 1 of 1,613,310 alleles (0.000062%); highest among the groups gnomAD compares: Middle Eastern, 0.017%; no homozygotes.

Submissions (2):

Women's Health and Genetics/Laboratory Corporation of America, LabCorp
Classification: Uncertain significance. Last evaluated: 2023-08-15. Review status: criteria provided, single submitter. Criteria: LabCorp Variant Classification Summary - May 2015. Collection method: clinical testing. Allele origin: germline.
Comment: Variant summary: TTN c.57029C>G (p.Ser19010Cys) results in a non-conservative amino acid change located in the A-band region of the encoded protein sequence. Three of four in-silico tools predict a damaging effect of the variant on protein function. The variant was absent in 247942 control chromosomes (gnomAD). The available data on variant occurrences in the general population are insufficient to allow any conclusion about variant significance. To our knowledge, no occurrence of c.57029C>G in individuals affected with Limb-Girdle Muscular Dystrophy, Type 2J and no experimental evidence demonstrating its impact on protein function have been reported. One ClinVar submitter has assessed the variant since 2014, and classified the variant as uncertain significance. Based on the evidence outlined above, the variant was classified as uncertain significance.

Revvity Omics, Revvity
Classification: Uncertain significance. Last evaluated: 2019-06-11. Review status: criteria provided, single submitter. Criteria: ACMG Guidelines, 2015. Collection method: clinical testing. Allele origin: germline.